The following is an entry in ClinVar:

NM_000202.8(IDS):c.1080_1086del (p.Ile360fs)

Genes: IDS (iduronate 2-sulfatase; minus strand), LOC106050102 (IDS recombination region; plus strand). Cytogenetic location: Xq28.
Variant type: Deletion.
Coding change: c.1080_1086del on transcript NM_000202.8 (MANE Select); coding-DNA positions 1080 to 1086, 7 bases deleted (ATTCTAT; older notation c.1080_1086delATTCTAT).
Protein change: p.Ile360fs; shifts the reading frame from isoleucine 360.
Molecular consequence: frameshift variant.
Genome position (GRCh38, 1-based): chrX:149,487,019-149,487,025, ATAGAAT deleted on the plus strand (ATTCTAT on the coding strand, the reverse complement: IDS is on the minus strand); deleting any 7 consecutive bases within chrX:149,487,019-149,487,027 gives the same sequence; the c. name uses the placement nearest the transcript's 3' end. VCF-style (leftmost placement, unchanged base first): chrX-149487018-CATAGAAT-C. GRCh37 (hg19) VCF-style: chrX-148568549-CATAGAAT-C.
Other names: c.810_816del, p.Ile270fs (NM_001166550.4); short protein forms I270fs, I360fs.
Identifiers: ClinVar variation 3255961 (VCV003255961.2).

ClinVar aggregate classification (germline): Pathogenic (1 of 4 stars; one submission).

Conditions:
Mucopolysaccharidosis, MPS-II (MPS2). Also called: Hunter Syndrome; IDURONATE 2-SULFATASE DEFICIENCY; Mucopolysaccharidosis Type II; Mucopolysaccharidosis type 2; Attenuated MPS (subtype; formerly known as mild MPS II); Severe MPS II. Identifiers: Orphanet 580, Orphanet 79388, MedGen C0026705, MONDO:0010674, OMIM 309900.

Submission:

Laboratory of Diagnosis and Therapy of Lysosomal Disorders, University of Padova
Classification: Pathogenic for Mucopolysaccharidosis, MPS-II. Last evaluated: 2024-06-07. Review status: criteria provided, single submitter. Criteria: ACMG Guidelines, 2015. Collection method: literature only. Allele origin: germline. Affected: yes. Observed: 1 variant allele.
Comment: Null variant (PVS1_Strong), Absent from controls (or at low frequency) in gnomAD database (PM2_Moderate), Patient’s phenotype or family history highly specific for the disease (PP4_Strong)

Classification method: ACMG Guidelines [PMID:25741868] with modifications

Literature cited by the submitters: PubMed 36945845.